The following is an entry in ClinVar:

ClinVar aggregate classification (germline): Uncertain significance (1 of 4 stars; one submission).

Allele frequency attached by ClinVar (database versions not stated): gnomAD exomes below 0.00001; TOPMed 0.00001.
gnomAD v4.1: 1 of 1,614,172 alleles (0.000062%); highest among the groups gnomAD compares: African/African-American, 0.0013%; no homozygotes.

Submission:

GeneDx
Classification: Uncertain significance. Last evaluated: 2022-05-11. Review status: criteria provided, single submitter. Criteria: GeneDx Variant Classification Process June 2021. Collection method: clinical testing. Allele origin: germline. Affected: yes.
Comment: Not observed at significant frequency in large population cohorts (gnomAD); In silico analysis supports that this missense variant does not alter protein structure/function; Has not been previously published as pathogenic or benign to our knowledge

NM_000124.4(ERCC6):c.3210A>C (p.Glu1070Asp)

Gene: ERCC6 (ERCC excision repair 6, chromatin remodeling factor; minus strand). Cytogenetic location: 10q11.23.
Variant type: single nucleotide variant.
Coding change: c.3210A>C on transcript NM_000124.4 (MANE Select); coding-DNA position 3210, A replaced by C.
Protein change: p.Glu1070Asp; replaces glutamic acid 1070 with aspartic acid.
Molecular consequence: missense variant.
Genome position (GRCh38, 1-based): chr10:49,470,750, T>G on the plus strand (A>C on the coding strand, the complement: ERCC6 is on the minus strand). VCF-style: chr10-49470750-T-G. GRCh37 (hg19) VCF-style: chr10-50678796-T-G.
Other names: c.3210A>C, p.Glu1070Asp (NM_001346440.2); short protein forms E1070D.
Identifiers: ClinVar variation 1723782 (VCV001723782.2), dbSNP rs1454808450, ClinGen allele CA376716379.